The following is an entry in ClinVar:

NM_001160372.4(TRAPPC9):c.2099G>C (p.Ser700Thr)

Gene: TRAPPC9 (trafficking protein particle complex subunit 9; minus strand). Cytogenetic location: 8q24.3.
Variant type: single nucleotide variant.
Coding change: c.2099G>C on transcript NM_001160372.4 (MANE Select); coding-DNA position 2099, G replaced by C.
Protein change: p.Ser700Thr; replaces serine 700 with threonine.
Molecular consequence: missense variant. On other transcripts: non-coding transcript variant (1).
Genome position (GRCh38, 1-based): chr8:140,283,904, C>G on the plus strand (G>C on the coding strand, the complement: TRAPPC9 is on the minus strand). VCF-style: chr8-140283904-C-G. GRCh37 (hg19) VCF-style: chr8-141294003-C-G.
Other names: c.2099G>C, p.Ser700Thr (NM_001374683.1, NM_031466.8); c.1955G>C, p.Ser652Thr (NM_001374684.1); c.2072G>C, p.Ser691Thr (NM_001321646.2); c.2120G>C, p.Ser707Thr (NM_001374682.1); short protein forms S652T, S700T, S707T, S691T.
Identifiers: ClinVar variation 2096659 (VCV002096659.4), dbSNP rs2539464848, ClinGen allele CA372315026.

ClinVar aggregate classification (germline): Uncertain significance (1 of 4 stars; one submission).

Submission:

Labcorp Genetics (formerly Invitae), Labcorp
Classification: Uncertain significance. Last evaluated: 2022-06-21. Review status: criteria provided, single submitter. Criteria: Invitae Variant Classification Sherloc (09022015). Collection method: clinical testing. Allele origin: germline.
Comment: In summary, the available evidence is currently insufficient to determine the role of this variant in disease. Therefore, it has been classified as a Variant of Uncertain Significance. Algorithms developed to predict the effect of missense changes on protein structure and function are either unavailable or do not agree on the potential impact of this missense change (SIFT: "Not Available"; PolyPhen-2: "Probably Damaging"; Align-GVGD: "Not Available"). This variant has not been reported in the literature in individuals affected with TRAPPC9-related conditions. This variant is not present in population databases (gnomAD no frequency). This sequence change replaces serine, which is neutral and polar, with threonine, which is neutral and polar, at codon 798 of the TRAPPC9 protein (p.Ser798Thr).